The following is an entry in ClinVar:

NM_000796.6(DRD3):c.114G>A (p.Ala38=)

Gene: DRD3 (dopamine receptor D3; minus strand). Cytogenetic location: 3q13.31.
Variant type: single nucleotide variant.
Coding change: c.114G>A on transcript NM_000796.6 (MANE Select); coding-DNA position 114, G replaced by A.
Protein change: p.Ala38=; no amino-acid change (alanine 38 retained).
Molecular consequence: synonymous variant.
Genome position (GRCh38, 1-based): chr3:114,171,879, C>T on the plus strand (G>A on the coding strand, the complement: DRD3 is on the minus strand). VCF-style: chr3-114171879-C-T. GRCh37 (hg19) VCF-style: chr3-113890726-C-T.
Other names: c.114G>A, p.Ala38= (NM_001282563.2, NM_001290809.1, NM_033663.6).
Identifiers: ClinVar variation 3057445 (VCV003057445.2), dbSNP rs77498054, ClinGen allele CA2550693.

ClinVar aggregate classification (germline): Likely benign (0 of 4 stars; one submission).

Conditions:
DRD3-related disorder. Also called: DRD3-related condition.

Allele frequency attached by ClinVar (database versions not stated): TOPMed 0.00060; gnomAD exomes 0.00033; 1000 Genomes Project 0.00040; gnomAD 0.00046; 1000 Genomes Project 30x 0.00047; ESP Exome Variant Server 0.00054; ExAC 0.00055.
gnomAD v4.1: 600 of 1,613,300 alleles (0.037%); highest among the groups gnomAD compares: Middle Eastern, 0.2%; no homozygotes.

Submission:

PreventionGenetics, part of Exact Sciences
Classification: Likely benign for DRD3-related condition. Last evaluated: 2019-02-21. Review status: no assertion criteria provided. Collection method: clinical testing. Allele origin: germline.
Comment: This variant is classified as likely benign based on ACMG/AMP sequence variant interpretation guidelines (Richards et al. 2015 PMID: 25741868, with internal and published modifications).